The following is an entry in ClinVar:

NM_004415.4(DSP):c.6085dup (p.Tyr2029fs)

Gene: DSP (desmoplakin; plus strand). Cytogenetic location: 6p24.3.
Variant type: Duplication.
Coding change: c.6085dup on transcript NM_004415.4 (MANE Select); coding-DNA position 6085, one base duplicated (T; older notation c.6085dupT).
Protein change: p.Tyr2029fs; shifts the reading frame from tyrosine 2029.
Molecular consequence: frameshift variant.
Genome position (GRCh38, 1-based): chr6:7,583,347, T duplicated. VCF-style (leftmost placement, unchanged base first): chr6-7583346-A-AT. GRCh37 (hg19) VCF-style: chr6-7583579-A-AT.
Other names: c.4288dup, p.Tyr1430fs (NM_001008844.3); c.4756dup, p.Tyr1586fs (NM_001319034.2); short protein forms Y1430fs, Y2029fs, Y1586fs.
Identifiers: ClinVar variation 1948123 (VCV001948123.5), dbSNP rs2533939177, ClinGen allele CA2580075533.

ClinVar aggregate classification (germline): Pathogenic (1 of 4 stars; one submission).

Conditions:
Arrhythmogenic right ventricular dysplasia 8 (ARVD8). Also called: ARRHYTHMOGENIC RIGHT VENTRICULAR DYSPLASIA, FAMILIAL, 8; ARRHYTHMOGENIC RIGHT VENTRICULAR CARDIOMYOPATHY 8; Arrhythmogenic Right Ventricular Dysplasia/Cardiomyopathy 8. Identifiers: MedGen C1843896, MONDO:0011831, OMIM 607450.
Arrhythmogenic cardiomyopathy with wooly hair and keratoderma. Also called: Dilated cardiomyopathy with woolly hair and keratoderma; Arrhythmogenic cardiomyopathy with woolly hair and keratoderma; PALMOPLANTAR KERATODERMA WITH LEFT VENTRICULAR CARDIOMYOPATHY AND WOOLLY HAIR; Carvajal syndrome. Identifiers: Orphanet 65282, MedGen C1854063, MONDO:0011581, OMIM 605676.

Submission:

Labcorp Genetics (formerly Invitae), Labcorp
Classification: Pathogenic for Arrhythmogenic cardiomyopathy with wooly hair and keratoderma; Arrhythmogenic right ventricular dysplasia 8. Last evaluated: 2026-01-31. Review status: criteria provided, single submitter. Criteria: Invitae Variant Classification Sherloc (09022015). Collection method: clinical testing. Allele origin: germline.
Comment: This sequence change creates a premature translational stop signal (p.Tyr2029Leufs*32) in the DSP gene. While this is not anticipated to result in nonsense mediated decay, it is expected to disrupt the last 843 amino acid(s) of the DSP protein. This variant is not present in population databases (gnomAD no frequency). This variant has not been reported in the literature in individuals affected with DSP-related conditions. ClinVar contains an entry for this variant (Variation ID: 1948123). This variant disrupts a region of the DSP protein in which other variant(s) (p.Glu2728Glyfs*11) have been determined to be pathogenic (internal data). This suggests that this is a clinically significant region of the protein, and that variants that disrupt it are likely to be disease-causing. For these reasons, this variant has been classified as Pathogenic.